The following is an entry in ClinVar:

ClinVar aggregate classification (germline): Uncertain significance (1 of 4 stars; one submission).

Conditions:
Pyogenic arthritis-pyoderma gangrenosum-acne syndrome (PAPA). Also called: PAPA SYNDROME; FAMILIAL RECURRENT ARTHRITIS. Identifiers: Orphanet 69126, MedGen C1858361, MONDO:0011462, OMIM 604416.

Submission:

Labcorp Genetics (formerly Invitae), Labcorp
Classification: Uncertain significance for Pyogenic arthritis-pyoderma gangrenosum-acne syndrome. Last evaluated: 2024-02-28. Review status: criteria provided, single submitter. Criteria: Invitae Variant Classification Sherloc (09022015). Collection method: clinical testing. Allele origin: germline.
Comment: This sequence change replaces serine, which is neutral and polar, with cysteine, which is neutral and slightly polar, at codon 312 of the PSTPIP1 protein (p.Ser312Cys). This variant is not present in population databases (gnomAD no frequency). This variant has not been reported in the literature in individuals affected with PSTPIP1-related conditions. Advanced modeling of protein sequence and biophysical properties (such as structural, functional, and spatial information, amino acid conservation, physicochemical variation, residue mobility, and thermodynamic stability) performed at Invitae indicates that this missense variant is expected to disrupt PSTPIP1 protein function with a positive predictive value of 80%. In summary, the available evidence is currently insufficient to determine the role of this variant in disease. Therefore, it has been classified as a Variant of Uncertain Significance.

NM_003978.5(PSTPIP1):c.935C>G (p.Ser312Cys)

Gene: PSTPIP1 (proline-serine-threonine phosphatase interacting protein 1; plus strand). Cytogenetic location: 15q24.3.
Variant type: single nucleotide variant.
Coding change: c.935C>G on transcript NM_003978.5 (MANE Select); coding-DNA position 935, C replaced by G.
Protein change: p.Ser312Cys; replaces serine 312 with cysteine.
Molecular consequence: missense variant. On other transcripts: non-coding transcript variant (1).
Genome position (GRCh38, 1-based): chr15:77,035,513, C>G. VCF-style: chr15-77035513-C-G. GRCh37 (hg19) VCF-style: chr15-77327854-C-G.
Other names: c.878C>G, p.Ser293Cys (NM_001321135.2); c.908C>G, p.Ser303Cys (NM_001321136.2); c.1130C>G, p.Ser377Cys (NM_001321137.1); c.935C>G, p.Ser312Cys (NM_001411086.1); short protein forms S312C, S293C, S303C, S377C.
Identifiers: ClinVar variation 3642611 (VCV003642611.2).
Genomic context (GRCh38, chr15:77,035,513, plus strand): 5'-GTGGGTCCCTGAGTGTGGGGCGGGGACACTCACCCTCTTTCCTCCCTGTTCCCAGGTTCT[C>G]TGGACTGCTGCACGGAAGTCCCAAGACCACTTCGTTGGCAGCTTCTGCTGGTAAAGGGGG-3'
Protein context (NP_003969.2, residues 302-322): QPSCGMIKRF[Ser312Cys]GLLHGSPKTT